The following is an entry in ClinVar:

NM_006440.5(TXNRD2):c.1142G>A (p.Arg381Gln)

Gene: TXNRD2 (thioredoxin reductase 2; minus strand). Cytogenetic location: 22q11.21.
Variant type: single nucleotide variant.
Coding change: c.1142G>A on transcript NM_006440.5 (MANE Select); coding-DNA position 1142, G replaced by A.
Protein change: p.Arg381Gln; replaces arginine 381 with glutamine.
Molecular consequence: missense variant. On other transcripts: non-coding transcript variant (1).
Genome position (GRCh38, 1-based): chr22:19,880,662, C>T on the plus strand (G>A on the coding strand, the complement: TXNRD2 is on the minus strand). VCF-style: chr22-19880662-C-T. GRCh37 (hg19) VCF-style: chr22-19868185-C-T.
Other names: c.1139G>A, p.Arg380Gln (NM_001352300.2); c.1052G>A, p.Arg351Gln (NM_001352301.2); c.854G>A, p.Arg285Gln (NM_001352302.2); c.1142G>A (NM_006440.3); short protein forms R381Q, R351Q, R285Q, R380Q.
Identifiers: ClinVar variation 524919 (VCV000524919.12), dbSNP rs774909194, ClinGen allele CA10103789.

ClinVar aggregate classification (germline): Uncertain significance. Review status: criteria provided, multiple submitters, no conflicts (2 of 4 stars). 2 submissions from 2 submitters: Uncertain significance (2). Last evaluated 2025-08-18.

Conditions:
Primary dilated cardiomyopathy (DCM). Also called: Dilated Cardiomyopathy. Identifiers: Orphanet 217604, MedGen C0007193, MeSH D002311, MONDO:0005021, HP:0001644. Inheritance: Various modes of inheritance.
Cardiovascular phenotype. Identifiers: MedGen CN230736.

Allele frequency attached by ClinVar (database versions not stated): gnomAD exomes below 0.00001 and 0.00001; ExAC 0.00001.

Submissions (2):

Labcorp Genetics (formerly Invitae), Labcorp
Classification: Uncertain significance for Primary dilated cardiomyopathy. Last evaluated: 2025-08-18. Review status: criteria provided, single submitter. Criteria: Invitae Variant Classification Sherloc (09022015). Collection method: clinical testing. Allele origin: germline.
Comment: This sequence change replaces arginine, which is basic and polar, with glutamine, which is neutral and polar, at codon 381 of the TXNRD2 protein (p.Arg381Gln). The frequency data for this variant in the population databases is considered unreliable, as metrics indicate poor data quality at this position in the gnomAD database. This variant has not been reported in the literature in individuals affected with TXNRD2-related conditions. ClinVar contains an entry for this variant (Variation ID: 524919). Invitae Evidence Modeling of protein sequence and biophysical properties (such as structural, functional, and spatial information, amino acid conservation, physicochemical variation, residue mobility, and thermodynamic stability) has been performed for this missense variant. However, the output from this modeling did not meet the statistical confidence thresholds required to predict the impact of this variant on TXNRD2 protein function. In summary, the available evidence is currently insufficient to determine the role of this variant in disease. Therefore, it has been classified as a Variant of Uncertain Significance.

Ambry Genetics
Classification: Uncertain significance for Cardiovascular phenotype. Last evaluated: 2023-05-27. Review status: criteria provided, single submitter. Criteria: Ambry Variant Classification Scheme 2023. Collection method: clinical testing. Allele origin: germline.
Comment: The p.R381Q variant (also known as c.1142G>A), located in coding exon 13 of the TXNRD2 gene, results from a G to A substitution at nucleotide position 1142. The arginine at codon 381 is replaced by glutamine, an amino acid with highly similar properties. This amino acid position is conserved. In addition, the in silico prediction for this alteration is inconclusive. Since supporting evidence is limited at this time, the clinical significance of this alteration remains unclear.